The following is an entry in ClinVar:

NM_000135.4(FANCA):c.1457C>G (p.Pro486Arg)

Gene: FANCA (FA complementation group A; minus strand). Cytogenetic location: 16q24.3.
Variant type: single nucleotide variant.
Coding change: c.1457C>G on transcript NM_000135.4 (MANE Select); coding-DNA position 1457, C replaced by G.
Protein change: p.Pro486Arg; replaces proline 486 with arginine.
Molecular consequence: missense variant.
Genome position (GRCh38, 1-based): chr16:89,784,867, G>C on the plus strand (C>G on the coding strand, the complement: FANCA is on the minus strand). VCF-style: chr16-89784867-G-C. GRCh37 (hg19) VCF-style: chr16-89851275-G-C.
Other names: c.1457C>G, p.Pro486Arg (NM_001286167.3); short protein forms P486R.
Identifiers: ClinVar variation 4254312 (VCV004254312.1).
Genomic context (GRCh38, chr16:89,784,867, plus strand): 5'-GGTGAGCGAAGCACCAGAAATCATGGATGTGGCAGCCAGCTTCTCACCTGCAGGTACCGG[G>C]GAGACTCAAAAGGCACGAGTTCTGACAAGAACGTAAACAGGAAGACCAGGGCCTTCTTGC-3'
Protein context (NP_000126.2, residues 476-496): FLSELVPFES[Pro486Arg]RYLQVHILHP

ClinVar aggregate classification (germline): Uncertain significance (1 of 4 stars; one submission).

Conditions:
Inborn genetic diseases. Identifiers: MedGen C0950123, MeSH D030342.

Submission:

Ambry Genetics
Classification: Uncertain significance for Inborn genetic diseases. Last evaluated: 2025-08-24. Review status: criteria provided, single submitter. Criteria: Ambry Variant Classification Scheme 2023. Collection method: clinical testing. Allele origin: germline.
Comment: The p.P486R variant (also known as c.1457C>G), located in coding exon 15 of the FANCA gene, results from a C to G substitution at nucleotide position 1457. The proline at codon 486 is replaced by arginine, an amino acid with dissimilar properties. This amino acid position is conserved. In addition, this alteration is predicted to be deleterious by in silico analysis. Based on the available evidence, the clinical significance of this variant remains unclear.